The following is an entry in ClinVar:

ClinVar aggregate classification (germline): Uncertain significance. Review status: criteria provided, multiple submitters, no conflicts (2 of 4 stars). 2 submissions from 2 submitters: Uncertain significance (2). Last evaluated 2026-03-24.

Conditions:
Familial cold autoinflammatory syndrome 2 (FCAS2). Identifiers: Orphanet 247868, MedGen C2673198, MONDO:0012724, OMIM 611762.
NLRP12-related disorder. Also called: NLRP12-related condition; NLRP12-related conditions.

Allele frequency attached by ClinVar (database versions not stated): TOPMed below 0.00001.
gnomAD v4.1: 8 of 1,614,156 alleles (0.0005%); highest among the groups gnomAD compares: Non-Finnish European, 0.00059%; no homozygotes.

Submissions (2):

PreventionGenetics, part of Exact Sciences
Classification: Uncertain significance for NLRP12-related condition. Last evaluated: 2026-03-24. Review status: criteria provided, single submitter. Criteria: ACMG Guidelines, 2015. Collection method: clinical testing. Allele origin: germline.
Comment: The NLRP12 c.442G>A variant is predicted to result in the amino acid substitution p.Gly148Arg. To our knowledge, this variant has not been reported in the literature. This variant is reported in 0.0015% of alleles in individuals of European (Non-Finnish) descent in gnomAD. At this time, the clinical significance of this variant is uncertain due to the absence of conclusive functional and genetic evidence.

Labcorp Genetics (formerly Invitae), Labcorp
Classification: Uncertain significance for Familial cold autoinflammatory syndrome 2. Last evaluated: 2022-05-09. Review status: criteria provided, single submitter. Criteria: Invitae Variant Classification Sherloc (09022015). Collection method: clinical testing. Allele origin: germline.
Comment: In summary, the available evidence is currently insufficient to determine the role of this variant in disease. Therefore, it has been classified as a Variant of Uncertain Significance. Algorithms developed to predict the effect of missense changes on protein structure and function are either unavailable or do not agree on the potential impact of this missense change (SIFT: "Deleterious"; PolyPhen-2: "Probably Damaging"; Align-GVGD: "Class C15"). ClinVar contains an entry for this variant (Variation ID: 937722). This variant has not been reported in the literature in individuals affected with NLRP12-related conditions. This variant is present in population databases (no rsID available, gnomAD 0.002%). This sequence change replaces glycine, which is neutral and non-polar, with arginine, which is basic and polar, at codon 148 of the NLRP12 protein (p.Gly148Arg).

NM_144687.4(NLRP12):c.442G>A (p.Gly148Arg)

Gene: NLRP12 (NLR family pyrin domain containing 12; minus strand). Cytogenetic location: 19q13.42.
Variant type: single nucleotide variant.
Coding change: c.442G>A on transcript NM_144687.4 (MANE Select); coding-DNA position 442, G replaced by A.
Protein change: p.Gly148Arg; replaces glycine 148 with arginine.
Molecular consequence: missense variant.
Genome position (GRCh38, 1-based): chr19:53,811,217, C>T on the plus strand (G>A on the coding strand, the complement: NLRP12 is on the minus strand). VCF-style: chr19-53811217-C-T. GRCh37 (hg19) VCF-style: chr19-54314471-C-T.
Other names: c.442G>A, p.Gly148Arg (NM_001277126.2, NM_001277129.1); short protein forms G148R.
Identifiers: ClinVar variation 937722 (VCV000937722.12), dbSNP rs757517539, ClinGen allele CA407416951.